The following is an entry in ClinVar:

NM_000091.5(COL4A3):c.451G>T (p.Gly151Cys)

Genes: COL4A3 (collagen type IV alpha 3 chain; plus strand), MFF-DT (MFF divergent transcript; minus strand). Cytogenetic location: 2q36.3.
Variant type: single nucleotide variant.
Coding change: c.451G>T on transcript NM_000091.5 (MANE Select); coding-DNA position 451, G replaced by T.
Protein change: p.Gly151Cys; replaces glycine 151 with cysteine.
Molecular consequence: missense variant.
Genome position (GRCh38, 1-based): chr2:227,247,567, G>T. VCF-style: chr2-227247567-G-T. GRCh37 (hg19) VCF-style: chr2-228112283-G-T.
Other names: short protein forms G151C.
Identifiers: ClinVar variation 3338668 (VCV003338668.2).

ClinVar aggregate classification (germline): Conflicting classifications of pathogenicity. Review status: criteria provided, conflicting classifications (1 of 4 stars). 2 submissions from 2 submitters: Likely pathogenic (1); Uncertain significance (1). Last evaluated 2026-05-07.

Conditions:
Hematuria, benign familial, 2 (BFH2). Identifiers: MedGen C5830421, MONDO:0958186, OMIM 620320.
Alport syndrome. Also called: Hemorrhagic familial nephritis; Hemorrhagic hereditary nephritis; Congenital hereditary hematuria. Identifiers: Orphanet 63, MedGen C1567741, MONDO:0018965.

Submissions (2):

Myriad Genetics, Inc.
Classification: Uncertain significance for Alport syndrome. Last evaluated: 2026-05-07. Review status: criteria provided, single submitter. Criteria: Myriad Autosomal Dominant, Autosomal Recessive and X-Linked Classification Criteria (2023). Collection method: clinical testing. Allele origin: unknown.
Comment: NM_000091.4(COL4A3):c.451G>T(G151C) is a missense variant classified as a variant of uncertain significance in the context of Alport syndrome, COL4A3-related. G151C has not been observed in cases with relevant disease. Relevant functional assessments of this variant are not available in the literature. G151C has not been observed in referenced population frequency databases. In summary, there is insufficient evidence to classify NM_000091.4(COL4A3):c.451G>T(G151C) as pathogenic or benign. Please note: this variant was assessed in the context of healthy population screening.

MVZ Dr. Eberhard & Partner Dortmund
Classification: Likely pathogenic for Hematuria, benign familial, 2. Last evaluated: 2024-08-28. Review status: criteria provided, single submitter. Criteria: ACMG Guidelines, 2015. Collection method: clinical testing. Allele origin: unknown. Affected: yes.
Comment: The heterozygous missense variant c.451G>T for p.(Gly151Cys) in COL4A3 has not been described in the literature so far and it is absent from population databases such as gnomAD. The glycine at codon 151 is highly conserved and lies within the conserved Gly-X-Y structure of the functionally important triple helical domain of the collagen IV alpha3 chain. Glycine variants of the triple helical domain are usually considered to be probably pathogenic. REVEL score is 0,77 (deleterious supporting). Thus, the variant is classified as likely pathogenic (according to ACMG and PMID 33854215 ).

Literature cited by the submitters: PubMed 8083201 (cited by MVZ Dr. Eberhard & Partner Dortmund); PubMed 33854215 (cited by MVZ Dr. Eberhard & Partner Dortmund); PubMed 29987460 (cited by MVZ Dr. Eberhard & Partner Dortmund).